The following is an entry in ClinVar:

NM_001385012.1(NBEA):c.727A>G (p.Ile243Val)

Gene: NBEA (neurobeachin; plus strand). Cytogenetic location: 13q13.3.
Variant type: single nucleotide variant.
Coding change: c.727A>G on transcript NM_001385012.1 (MANE Select); coding-DNA position 727, A replaced by G.
Protein change: p.Ile243Val; replaces isoleucine 243 with valine.
Molecular consequence: missense variant.
Genome position (GRCh38, 1-based): chr13:35,048,566, A>G. VCF-style: chr13-35048566-A-G. GRCh37 (hg19) VCF-style: chr13-35622703-A-G.
Other names: c.727A>G, p.Ile243Val (NM_001379245.1, NM_015678.5); short protein forms I243V.
Identifiers: ClinVar variation 2570857 (VCV002570857.27), dbSNP rs1302274354, ClinGen allele CA387960851.

ClinVar aggregate classification (germline): Uncertain significance (1 of 4 stars; one submission).

Allele frequency attached by ClinVar (database versions not stated): gnomAD exomes below 0.00001.
gnomAD v4.1: 1 of 1,607,674 alleles (0.000062%); highest among the groups gnomAD compares: Non-Finnish European, 0.000085%; no homozygotes.

Submission:

CeGaT Center for Human Genetics Tuebingen
Classification: Uncertain significance. Last evaluated: 2023-05-01. Review status: criteria provided, single submitter. Criteria: CeGaT Center For Human Genetics Tuebingen Variant Classification Criteria Version 2. Collection method: clinical testing. Allele origin: germline. Affected: yes. Observed: 1 variant allele.
Comment: NBEA: PM2, PP2